The following is an entry in ClinVar:

ClinVar aggregate classification (germline): Uncertain significance (1 of 4 stars; one submission).

Submission:

Labcorp Genetics (formerly Invitae), Labcorp
Classification: Uncertain significance. Last evaluated: 2022-06-24. Review status: criteria provided, single submitter. Criteria: Invitae Variant Classification Sherloc (09022015). Collection method: clinical testing. Allele origin: germline.
Comment: This sequence change replaces phenylalanine, which is neutral and non-polar, with cysteine, which is neutral and slightly polar, at codon 245 of the RARS protein (p.Phe245Cys). This variant has not been reported in the literature in individuals affected with RARS-related conditions. Algorithms developed to predict the effect of missense changes on protein structure and function (SIFT, PolyPhen-2, Align-GVGD) all suggest that this variant is likely to be disruptive. In summary, the available evidence is currently insufficient to determine the role of this variant in disease. Therefore, it has been classified as a Variant of Uncertain Significance. This variant is not present in population databases (gnomAD no frequency).

NM_002887.4(RARS1):c.734T>G (p.Phe245Cys)

Gene: RARS1 (arginyl-tRNA synthetase 1; plus strand). Cytogenetic location: 5q34.
Variant type: single nucleotide variant.
Coding change: c.734T>G on transcript NM_002887.4 (MANE Select); coding-DNA position 734, T replaced by G.
Protein change: p.Phe245Cys; replaces phenylalanine 245 with cysteine.
Molecular consequence: missense variant.
Genome position (GRCh38, 1-based): chr5:168,497,260, T>G. VCF-style: chr5-168497260-T-G. GRCh37 (hg19) VCF-style: chr5-167924265-T-G.
Other names: short protein forms F245C.
Identifiers: ClinVar variation 2010123 (VCV002010123.4), dbSNP rs2533370687, ClinGen allele CA362079756.